The following is an entry in ClinVar:

NM_003680.4(YARS1):c.510+2T>A

Gene: YARS1 (tyrosyl-tRNA synthetase 1; minus strand). Cytogenetic location: 1p35.1.
Variant type: single nucleotide variant.
Coding change: c.510+2T>A on transcript NM_003680.4 (MANE Select); the canonical splice donor site of the intron after coding-DNA position 510, T replaced by A.
Molecular consequence: splice donor variant.
Genome position (GRCh38, 1-based): chr1:32,806,480, A>T on the plus strand (T>A on the coding strand, the complement: YARS1 is on the minus strand). VCF-style: chr1-32806480-A-T. GRCh37 (hg19) VCF-style: chr1-33272081-A-T.
Identifiers: ClinVar variation 4851439 (VCV004851439.1).

ClinVar aggregate classification (germline): Likely pathogenic (1 of 4 stars; one submission).

Conditions:
Charcot-Marie-Tooth disease dominant intermediate C (CMTDIC). Also called: CHARCOT-MARIE-TOOTH NEUROPATHY, DOMINANT INTERMEDIATE C. Identifiers: Orphanet 100045, MedGen C1842237, MONDO:0012012, OMIM 608323.

Submission:

Institute of Immunology and Genetics Kaiserslautern
Classification: Likely pathogenic for Charcot-Marie-Tooth disease dominant intermediate C. Last evaluated: 2025-10-22. Review status: criteria provided, single submitter. Criteria: ACMG Guidelines, 2015. Collection method: clinical testing. Allele origin: germline. Affected: yes.
Comment: ACMG Criteria: PVS1, PM2; Variant was found in heterozygous state.